The following continues an entry in ClinVar:

NM_000218.3(KCNQ1):c.1032G>A (p.Ala344=)

Gene: KCNQ1. ClinVar aggregate classification (germline): Pathogenic. Pathogenic (1).

Submissions 8 to 19 of 19:

Molecular Genetics Laboratory - Cardiogenetics, CHU de Nantes
Classification: Pathogenic for Long QT syndrome 1. Last evaluated: 2023-08-01. Review status: criteria provided, single submitter. Criteria: ACMG Guidelines, 2015. Collection method: clinical testing. Allele origin: germline. Affected: yes. Not counted in ClinVar's aggregate classification.

3billion
Classification: Pathogenic for Long QT syndrome 1. Last evaluated: 2022-05-22. Review status: criteria provided, single submitter. Criteria: ACMG Guidelines, 2015. Collection method: clinical testing. Allele origin: germline. Affected: yes. Observed: 1 heterozygote. Not counted in ClinVar's aggregate classification.
Comment: The variant is observed at an extremely low frequency in the gnomAD v2.1.1 dataset (total allele frequency: <0.001%). Functional studies provide moderate evidence of the variant having a damaging effect on the gene or gene product (PMID:10477533, 21810471). The variant has been observed in multiple (>3) similarly affected unrelated individuals (PMID:10477533, 21810471, 27485560, 29255176, 31589614, 31737537). The variant has been reported to co-segregate with the disease in at least 5 similarly affected relatives/individuals in the same family or similarly affected unrelated families (PMID:10477533).Therefore, this variant is classified as pathogenic according to the recommendation of ACMG/AMP guideline.

Mendelics
Classification: Pathogenic for Beckwith-Wiedemann syndrome. Last evaluated: 2022-05-04. Review status: criteria provided, single submitter. Criteria: Mendelics Assertion Criteria 2019. Collection method: clinical testing. Allele origin: germline. Not counted in ClinVar's aggregate classification.

Victorian Clinical Genetics Services, Murdoch Childrens Research Institute
Classification: Pathogenic for Long QT syndrome 1. Last evaluated: 2022-02-02. Review status: criteria provided, single submitter. Criteria: ACMG Guidelines, 2015. Collection method: clinical testing. Allele origin: germline. Inheritance: Autosomal dominant inheritance. Affected: yes. Not counted in ClinVar's aggregate classification.
Comment: Based on the classification scheme VCGS_Germline_v1.3.4, this variant is classified as Pathogenic. Following criteria are met: 0103 - Dominant negative, loss of function and gain of function are known mechanisms of disease in this gene. Gain of function variants result exclusively in Short QT syndrome (MIM#609621), while dominant negative and loss of function variants can cause Long QT syndrome (LQTS, MIM#192500), atrial fibrillation (MIM#607554) and Jervell and Lange-Nielsen syndrome (JLNS, MIM#220400) (OMIM, PMIDs: 19632626, 28438721). (I) 0108 - This gene is known to be associated with both recessive and dominant disease. JLNS is characterized by congenital, bilateral deafness and variable degrees of QT prolongation, and is the only condition caused by biallelic mutations (PMID: 28438721). (I) 0112 - The condition associated with this gene has incomplete penetrance (GeneReviews, OMIM). (I) 0209 - Splice site variant proven to affect splicing of the transcript with uncertain effect on protein sequence. This variant has been shown to result in several splicing errors, including the skipping of exon 7, exon 8, or both exon 7 and 8. Quantitative analysis confirmed only 55% of wildtype transcript remained (PMID: 21810471). (SP) 0251 - This variant is heterozygous. (I) 0302 - Variant is present in gnomAD (v2, v3) <0.001 for a dominant condition (1 heterozygote, 0 homozygotes). (SP) 0602 - Variant is located in a hotspot region or cluster of pathogenic variants. Multiple pathogenic variants at the same residue have been reported as pathogenic, and it is described as the 2nd most mutated codon (Decipher, PMID: 10477533). (SP) 0703 - Other synonymous splice variants comparable to the one identified in this case have moderate previous evidence for pathogenicity. Alternative changes at the same nucleotide position (c.1032G>C, c.1032G>T) have been reported as pathogenic, likely pathogenic and in a family with LQTS (ClinVar, PMID: 10477533). (SP) 0801 - This variant has strong previous evidence of pathogenicity in unrelated individuals. This variant has been reported many times as pathogenic and in multiple families with LQTS (ClinVar, PMID: 21810471, PMID: 10477533). (SP) 1208 - Inheritance information for this variant is not currently available in this individual. (I) Legend: (SP) - Supporting pathogenic, (I) - Information, (SB) - Supporting benign

GeneDx
Classification: Pathogenic. Last evaluated: 2021-11-01. Review status: criteria provided, single submitter. Criteria: GeneDx Variant Classification Process June 2021. Collection method: clinical testing. Allele origin: germline. Affected: yes. Not counted in ClinVar's aggregate classification.
Comment: Not observed at a significant frequency in large population cohorts (Lek et al., 2016); A different nucleotide change at the same position (c.1032 G>C, A344A) has also been reported to affect splicing and was found to segregate with a LQTS phenotype in a multi-generation family (Murray et al., 1999); Reported in ClinVar as pathogenic (ClinVar Variant ID# 3135; Landrum et al., 2016); This variant is associated with the following publications: (PMID: 21810471, 29857160, 9570196, 26318259, 10973849, 19716085, 29497013, 10477533, 22629021, 9654228, 26118460, 29255176, 27485560, 28438721, 17292394, 31737537, 31589614)

Blueprint Genetics
Classification: Pathogenic for KCNQ1-related disorders. Last evaluated: 2021-08-17. Review status: criteria provided, single submitter. Criteria: ACMG Guidelines, 2015. Collection method: clinical testing. Allele origin: germline. Affected: yes. Observed: 4 variant alleles. Not counted in ClinVar's aggregate classification.

Institute of Medical Genetics and Applied Genomics, University Hospital Tübingen
Classification: Pathogenic. Last evaluated: 2020-10-23. Review status: criteria provided, single submitter. Criteria: ACMG Guidelines, 2015. Collection method: clinical testing. Allele origin: germline. Inheritance: Unknown mechanism. Affected: yes. Not counted in ClinVar's aggregate classification.

Women's Health and Genetics/Laboratory Corporation of America, LabCorp
Classification: Pathogenic for Long QT syndrome. Last evaluated: 2019-05-13. Review status: criteria provided, single submitter. Criteria: LabCorp Variant Classification Summary - May 2015. Collection method: clinical testing. Allele origin: germline. Not counted in ClinVar's aggregate classification.
Comment: Variant summary: KCNQ1 c.1032G>A (p.Ala344Ala) alters a non-conserved nucleotide located close to a canonical splice site and therefore could affect mRNA splicing, leading to a significantly altered protein sequence. Several computational tools predict a significant impact on normal splicing: Two predict the variant abolishes a 5' splicing donor site. Three predict the variant weakens a 5' donor site. At least two publications reported experimental evidence that this variant affects mRNA splicing (Murray 1999, Tsuji-Wakisaka 2011), causing a partial exon skipping, decreasing the wild type mRNA level to about 55% (Tsuji-Wakisaka 2011). The variant allele was found at a frequency of 4e-06 in 251186 control chromosomes (gnomAD). c.1032G>A has been reported in the literature in multiple individuals affected with Long QT Syndrome (Kanters 1998, Li 1998, Murray 1999, Tsuji-Wakisaka 2011), and in two large families the variant co-segregated with the disease (Li 1998, Murray 1999). These data indicate that the variant is very likely to be associated with disease. At least one publication reports experimental evidence evaluating an impact on protein function, and demonstrated significant reduction in currents compared to control (Tsuji-Wakisaka 2011). Four clinical diagnostic laboratories have submitted clinical-significance assessments for this variant to ClinVar after 2014 without evidence for independent evaluation. All laboratories classified the variant as pathogenic. Based on the evidence outlined above, the variant was classified as pathogenic.

Laboratory for Molecular Medicine, Mass General Brigham Personalized Medicine
Classification: Pathogenic for Familial long QT syndrome. Last evaluated: 2018-07-16. Review status: criteria provided, single submitter. Criteria: ACMG Guidelines, 2015. Collection method: clinical testing. Allele origin: germline. Inheritance: Autosomal dominant inheritance. Not counted in ClinVar's aggregate classification.
Comment: The p.Ala344Ala variant in KCNQ1 has been reported in >20 heterozygous individuals with Long QT syndrome (LQTS) and in one compound heterozygous individual with Jervell and Lange-Nielsen syndrome (JLNS). It segregated with LQTS in > 10 relatives from multiple families (Kanters 1998, Struijk 2006, Tsuji 2007, Gao 2012, Itoh 2015, Vyas 2016, Robyns 2017). This variant has also been reported in ClinVar (Variation ID: 3135) and has been identified in 1/111614 European chromosomes by the Genome Aggregation Database (gnomAD; dbSNP rs1800171). This variant is located at the last base of exon 7, which is part of the 5’ splice region. Computational tools and functional studies using patient mRNAs suggest that the p.Ala344ala variant impacts splicing, resulting mainly in the skipping of exon 7 but other aberrant mRNA transcripts were also reported (Wuriyanghai 2018, Tsuji 2007). In summary, this variant meets criteria to be classified as pathogenic for LQTS in an autosomal dominant manner based upon presence in multiple affected individuals, segregation studies, predicted impact to the protein, and functional studies. ACMG/AMP criteria applied: PS4, PP1_Strong, PM4, PS3_Moderate, PM2.

Center for Human Genetics, University of Leuven
Classification: Pathogenic for Long QT syndrome 2. Last evaluated: 2017-02-09. Review status: criteria provided, single submitter. Criteria: ACMG Guidelines, 2015. Collection method: clinical testing. Allele origin: germline. Inheritance: Autosomal dominant inheritance. Affected: yes. Observed: 4 variant alleles. Not counted in ClinVar's aggregate classification.
Comment: ACMG score pathogenic

Institute of Medical Genetics and Genomics, Sir Ganga Ram Hospital
Classification: Pathogenic for Long QT syndrome, LQT1 subtype. Last evaluated: 2014-01-01. Review status: no assertion criteria provided. Collection method: research. Allele origin: germline. Affected: yes. Observed: 1 variant allele. Study: Life Threatening Long QT Syndromes. Not counted in ClinVar's aggregate classification.

OMIM
Classification: Pathogenic for LONG QT SYNDROME 1. Last evaluated: 1999-09-07. Review status: no assertion criteria provided. Collection method: literature only. Allele origin: germline. Not counted in ClinVar's aggregate classification.

Literature cited by the submitters: PubMed 9654228 (cited by 6 submitters); PubMed 10973849 (cited by Labcorp Genetics (formerly Invitae), Labcorp and All of Us Research Program, National Institutes of Health); PubMed 21810471 (cited by 6 submitters); PubMed 22629021 (cited by 3 submitters); PubMed 17576681 (cited by Labcorp Genetics (formerly Invitae), Labcorp); PubMed 9536098 (cited by Labcorp Genetics (formerly Invitae), Labcorp); PubMed 10477533 (cited by 5 submitters); PubMed 19716085 (cited by Ambry Genetics); PubMed 29857160 (cited by 3 submitters); PubMed 17292394 (cited by All of Us Research Program, National Institutes of Health and Laboratory for Molecular Medicine, Mass General Brigham Personalized Medicine); PubMed 32893267 (cited by All of Us Research Program, National Institutes of Health); PubMed 27485560 (cited by 3 submitters); PubMed 29255176 (cited by 3billion and Laboratory for Molecular Medicine, Mass General Brigham Personalized Medicine); PubMed 31589614 (cited by 3billion); PubMed 31737537 (cited by 3billion); PubMed 19632626 (cited by Victorian Clinical Genetics Services, Murdoch Childrens Research Institute); PubMed 20301308 (cited by Victorian Clinical Genetics Services, Murdoch Childrens Research Institute); PubMed 28438721 (cited by Victorian Clinical Genetics Services, Murdoch Childrens Research Institute); PubMed 9570196 (cited by Women's Health and Genetics/Laboratory Corporation of America, LabCorp and OMIM); PubMed 16937190 (cited by Laboratory for Molecular Medicine, Mass General Brigham Personalized Medicine); PubMed 26118460 (cited by Laboratory for Molecular Medicine, Mass General Brigham Personalized Medicine).